The following is an entry in ClinVar:

NM_000814.6(GABRB3):c.240+55863C>T

Gene: GABRB3 (gamma-aminobutyric acid type A receptor subunit beta3; minus strand). Cytogenetic location: 15q12.
Variant type: single nucleotide variant.
Coding change: c.240+55863C>T on transcript NM_000814.6 (MANE Select); 55863 bases into the intron after coding-DNA position 240, C replaced by T.
Molecular consequence: intron variant.
Genome position (GRCh38, 1-based): chr15:26,716,539, G>A on the plus strand (C>T on the coding strand, the complement: GABRB3 is on the minus strand). VCF-style: chr15-26716539-G-A. GRCh37 (hg19) VCF-style: chr15-26961686-G-A.
Other names: c.240+55863C>T (NM_021912.5); c.-112+55863C>T (NM_001278631.2); c.-16+75C>T (NM_001191320.2).
Identifiers: ClinVar variation 1700947 (VCV001700947.2), dbSNP rs140316880, ClinGen allele CA268172699.

ClinVar aggregate classification (germline): Likely benign (1 of 4 stars; one submission).

Allele frequency attached by ClinVar (database versions not stated): TOPMed 0.00592; 1000 Genomes Project 0.00839; 1000 Genomes Project 30x 0.00906.
gnomAD v4.1: 1,111 of 965,538 alleles (0.12%); highest among the groups gnomAD compares: African/African-American, 1.7%; 16 homozygotes.

Submission:

GeneDx
Classification: Likely benign. Last evaluated: 2022-02-08. Review status: criteria provided, single submitter. Criteria: GeneDx Variant Classification Process June 2021. Collection method: clinical testing. Allele origin: germline. Affected: yes.
Comment: See Variant Classification Assertion Criteria.